The following is an entry in ClinVar:

ClinVar aggregate classification (germline): Uncertain significance. Review status: criteria provided, multiple submitters, no conflicts (2 of 4 stars). 2 submissions from 2 submitters: Uncertain significance (2). Last evaluated 2025-08-11.

Conditions:
Inborn genetic diseases. Identifiers: MedGen C0950123, MeSH D030342.

Allele frequency attached by ClinVar (database versions not stated): TOPMed below 0.00001; ExAC 0.00001; gnomAD 0.00001; gnomAD exomes 0.00001.
gnomAD v4.1: 16 of 1,613,650 alleles (0.00099%); highest among the groups gnomAD compares: East Asian, 0.011%; no homozygotes.

Submissions (2):

Ambry Genetics
Classification: Uncertain significance for Inborn genetic diseases. Last evaluated: 2025-08-11. Review status: criteria provided, single submitter. Criteria: Ambry Variant Classification Scheme 2023. Collection method: clinical testing. Allele origin: germline.

GeneDx
Classification: Uncertain significance. Last evaluated: 2023-01-10. Review status: criteria provided, single submitter. Criteria: GeneDx Variant Classification Process June 2021. Collection method: clinical testing. Allele origin: germline. Affected: yes.
Comment: Not observed at significant frequency in large population cohorts (gnomAD); In silico analysis supports that this missense variant does not alter protein structure/function; Has not been previously published as pathogenic or benign to our knowledge

NM_014704.4(CEP104):c.1163G>A (p.Arg388His)

Gene: CEP104 (centrosomal protein 104; minus strand). Cytogenetic location: 1p36.32.
Variant type: single nucleotide variant.
Coding change: c.1163G>A on transcript NM_014704.4 (MANE Select); coding-DNA position 1163, G replaced by A.
Protein change: p.Arg388His; replaces arginine 388 with histidine.
Molecular consequence: missense variant.
Genome position (GRCh38, 1-based): chr1:3,836,649, C>T on the plus strand (G>A on the coding strand, the complement: CEP104 is on the minus strand). VCF-style: chr1-3836649-C-T. GRCh37 (hg19) VCF-style: chr1-3753213-C-T.
Other names: short protein forms R388H.
Identifiers: ClinVar variation 2571779 (VCV002571779.2), dbSNP rs780478231, ClinGen allele CA551700.